The following is an entry in ClinVar:

NM_001369268.1(ACAN):c.1463G>A (p.Arg488His)

Gene: ACAN (aggrecan; plus strand). Cytogenetic location: 15q26.1.
Variant type: single nucleotide variant.
Coding change: c.1463G>A on transcript NM_001369268.1 (MANE Select); coding-DNA position 1463, G replaced by A.
Protein change: p.Arg488His; replaces arginine 488 with histidine.
Molecular consequence: missense variant.
Genome position (GRCh38, 1-based): chr15:88,847,276, G>A. VCF-style: chr15-88847276-G-A. GRCh37 (hg19) VCF-style: chr15-89390507-G-A.
Other names: c.1463G>A, p.Arg488His (NM_001135.4, NM_013227.4); short protein forms R488H.
Identifiers: ClinVar variation 1414641 (VCV001414641.7), dbSNP rs202205582, ClinGen allele CA7719561.
Genomic context (GRCh38, chr15:88,847,276, plus strand): 5'-CCTGACCGCTCCCTCCTCCCCACCCAGGGGTCGTCTTCCACTACCGCCCGGGACCCACCC[G>A]CTACTCGCTGACCTTTGAGGAGGCACAGCAGGCCTGCCTGCGCACGGGGGCGGTCATTGC-3'
Protein context (NP_001356197.1, residues 478-498): VVFHYRPGPT[Arg488His]YSLTFEEAQQ

ClinVar aggregate classification (germline): Uncertain significance (1 of 4 stars; one submission).

Allele frequency attached by ClinVar (database versions not stated): gnomAD 0.00004; TOPMed 0.00004; gnomAD exomes 0.00005; ExAC 0.00014; 1000 Genomes Project 30x 0.00016; ESP Exome Variant Server 0.00016; 1000 Genomes Project 0.00020.
gnomAD v4.1: 51 of 1,565,398 alleles (0.0033%); highest among the groups gnomAD compares: East Asian, 0.031%; no homozygotes.

Submission:

Labcorp Genetics (formerly Invitae), Labcorp
Classification: Uncertain significance. Last evaluated: 2025-09-29. Review status: criteria provided, single submitter. Criteria: Invitae Variant Classification Sherloc (09022015). Collection method: clinical testing. Allele origin: germline.
Comment: This sequence change replaces arginine, which is basic and polar, with histidine, which is basic and polar, at codon 488 of the ACAN protein (p.Arg488His). The frequency data for this variant in the population databases is considered unreliable, as metrics indicate poor data quality at this position in the gnomAD database. This variant has not been reported in the literature in individuals affected with ACAN-related conditions. ClinVar contains an entry for this variant (Variation ID: 1414641). Invitae Evidence Modeling of protein sequence and biophysical properties (such as structural, functional, and spatial information, amino acid conservation, physicochemical variation, residue mobility, and thermodynamic stability) indicates that this missense variant is not expected to disrupt ACAN protein function with a negative predictive value of 80%. In summary, the available evidence is currently insufficient to determine the role of this variant in disease. Therefore, it has been classified as a Variant of Uncertain Significance.